The following is an entry in ClinVar:

NM_022367.4(SEMA4A):c.1086A>C (p.Ser362=)

Gene: SEMA4A (semaphorin 4A; plus strand). Cytogenetic location: 1q22.
Variant type: single nucleotide variant.
Coding change: c.1086A>C on transcript NM_022367.4 (MANE Select); coding-DNA position 1086, A replaced by C.
Protein change: p.Ser362=; no amino-acid change (serine 362 retained).
Molecular consequence: synonymous variant.
Genome position (GRCh38, 1-based): chr1:156,163,046, A>C. VCF-style: chr1-156163046-A-C. GRCh37 (hg19) VCF-style: chr1-156132837-A-C.
Other names: c.1086A>C, p.Ser362= (NM_001193300.2, NM_001193301.2, NM_001370567.1); c.690A>C, p.Ser230= (NM_001193302.2); c.789A>C, p.Ser263= (NM_001370568.1); c.579A>C, p.Ser193= (NM_001370569.1, NM_001370571.1).
Identifiers: ClinVar variation 292849 (VCV000292849.21), dbSNP rs145993678, ClinGen allele CA1155264.
Genomic context (GRCh38, chr1:156,163,046, plus strand): 5'-TCTCTTGGACATTGAACGTGTCTTTAAGGGGAAATACAAAGAGTTGAACAAAGAAACTTC[A>C]CGCTGGACTACTTATAGGGGCCCTGAGACCAACCCCCGGCCAGGCAGTGTGAGTACTACC-3'
Protein context (NP_071762.2, residues 352-372): GKYKELNKET[Ser362=]RWTTYRGPET

ClinVar aggregate classification (germline): Conflicting classifications of pathogenicity. Review status: criteria provided, conflicting classifications (1 of 4 stars). 5 submissions from 4 submitters: Uncertain significance (2); Likely benign (3). Last evaluated 2026-01-15.

Conditions:
Retinitis pigmentosa (RP). Identifiers: Orphanet 791, MedGen C0035334, MeSH D012174, MONDO:0019200, OMIM 268000. Inheritance: Autosomal dominant, autosomal recessive and X linked inheritance.
Cone-rod dystrophy 10 (CORD10). Identifiers: Orphanet 1872, MedGen C1846529, MONDO:0012464, OMIM 610283.

Allele frequency attached by ClinVar (database versions not stated): gnomAD 0.00013 and 0.00024; ESP Exome Variant Server 0.00015; gnomAD exomes 0.00018 and 0.00024; ExAC 0.00023; TOPMed 0.00026.
gnomAD v4.1: 378 of 1,614,072 alleles (0.023%); highest among the groups gnomAD compares: Non-Finnish European, 0.03%; no homozygotes.

Submissions (5):

Labcorp Genetics (formerly Invitae), Labcorp
Classification: Likely benign. Last evaluated: 2026-01-15. Review status: criteria provided, single submitter. Criteria: Invitae Variant Classification Sherloc (09022015). Collection method: clinical testing. Allele origin: germline.

Blueprint Genetics
Classification: Likely benign. Last evaluated: 2022-12-28. Review status: criteria provided, single submitter. Criteria: ACMG Guidelines, 2015. Collection method: clinical testing. Allele origin: germline.

Illumina Laboratory Services, Illumina
Classification: Uncertain significance for Cone-rod dystrophy 10. Last evaluated: 2018-01-13. Review status: criteria provided, single submitter. Criteria: ICSL Variant Classification Criteria 13 December 2019. Collection method: clinical testing. Allele origin: germline.

Illumina Laboratory Services, Illumina
Classification: Likely benign for Retinitis pigmentosa. Last evaluated: 2018-01-13. Review status: criteria provided, single submitter. Criteria: ICSL Variant Classification Criteria 13 December 2019. Collection method: clinical testing. Allele origin: germline.
Comment: This variant was observed in the ICSL laboratory as part of a predisposition screen in an ostensibly healthy population. It had not been previously curated by ICSL or reported in the Human Gene Mutation Database (HGMD: prior to June 1st, 2018), and was therefore a candidate for classification through an automated scoring system. Utilizing variant allele frequency, disease prevalence and penetrance estimates, and inheritance mode, an automated score was calculated to assess if this variant is too frequent to cause the disease. Based on the score and internal cut-off values, a variant classified as likely benign is not then subjected to further curation. The score for this variant resulted in a classification of likely benign for this disease.

Eurofins Ntd Llc (ga)
Classification: Uncertain significance. Last evaluated: 2016-11-18. Review status: criteria provided, single submitter. Criteria: EGL Classification Definitions 2015. Collection method: clinical testing. Allele origin: germline. Observed: 1 variant allele, 1 heterozygote.